The following is an entry in ClinVar:

NM_003105.6(SORL1):c.5136C>A (p.Asn1712Lys)

Gene: SORL1 (sortilin related receptor 1; plus strand). Cytogenetic location: 11q24.1.
Variant type: single nucleotide variant.
Coding change: c.5136C>A on transcript NM_003105.6 (MANE Select); coding-DNA position 5136, C replaced by A.
Protein change: p.Asn1712Lys; replaces asparagine 1712 with lysine.
Molecular consequence: missense variant.
Genome position (GRCh38, 1-based): chr11:121,607,260, C>A. VCF-style: chr11-121607260-C-A. GRCh37 (hg19) VCF-style: chr11-121477969-C-A.
Other names: short protein forms N1712K.
Identifiers: ClinVar variation 3652939 (VCV003652939.2).

ClinVar aggregate classification (germline): Uncertain significance (1 of 4 stars; one submission).

Submission:

Labcorp Genetics (formerly Invitae), Labcorp
Classification: Uncertain significance. Last evaluated: 2024-05-17. Review status: criteria provided, single submitter. Criteria: Invitae Variant Classification Sherloc (09022015). Collection method: clinical testing. Allele origin: germline.
Comment: This sequence change replaces asparagine, which is neutral and polar, with lysine, which is basic and polar, at codon 1712 of the SORL1 protein (p.Asn1712Lys). This variant is not present in population databases (gnomAD no frequency). This variant has not been reported in the literature in individuals affected with SORL1-related conditions. An algorithm developed to predict the effect of missense changes on protein structure and function (PolyPhen-2) suggests that this variant is likely to be tolerated. In summary, the available evidence is currently insufficient to determine the role of this variant in disease. Therefore, it has been classified as a Variant of Uncertain Significance.